The following is an entry in ClinVar:

NM_001854.4(COL11A1):c.2024C>T (p.Pro675Leu)

Gene: COL11A1 (collagen type XI alpha 1 chain; minus strand). Cytogenetic location: 1p21.1.
Variant type: single nucleotide variant.
Coding change: c.2024C>T on transcript NM_001854.4 (MANE Select); coding-DNA position 2024, C replaced by T.
Protein change: p.Pro675Leu; replaces proline 675 with leucine.
Molecular consequence: missense variant. On other transcripts: non-coding transcript variant (1).
Genome position (GRCh38, 1-based): chr1:103,002,766, G>A on the plus strand (C>T on the coding strand, the complement: COL11A1 is on the minus strand). VCF-style: chr1-103002766-G-A. GRCh37 (hg19) VCF-style: chr1-103468322-G-A.
Other names: c.1907C>T, p.Pro636Leu (NM_001190709.2); c.2060C>T, p.Pro687Leu (NM_080629.3); c.1676C>T, p.Pro559Leu (NM_080630.4); short protein forms P559L, P636L, P675L, P687L.
Identifiers: ClinVar variation 1307849 (VCV001307849.2), dbSNP rs2101832656, ClinGen allele CA341171327.
Genomic context (GRCh38, chr1:103,002,766, plus strand): 5'-ATATTCAAATATGAGTTATTTTATCACTATTTGCTACATACCATGTTCCCTTTTGGTCCT[G>A]GGGGGCCATCTACACCTGCCATACCCTGCAATGAAGAAAAAGTATTTATGGTTGTTTATA-3'
Protein context (NP_001845.3, residues 665-685): QPGMAGVDGP[Pro675Leu]GPKGNMGPQG

ClinVar aggregate classification (germline): Uncertain significance (1 of 4 stars; one submission).

Allele frequency attached by ClinVar (database versions not stated): gnomAD exomes below 0.00001.
gnomAD v4.1: 6 of 1,612,120 alleles (0.00037%); highest among the groups gnomAD compares: Non-Finnish European, 0.00051%; no homozygotes.

Submission:

GeneDx
Classification: Uncertain significance. Last evaluated: 2019-08-08. Review status: criteria provided, single submitter. Criteria: GeneDx Variant Classification Process June 2021. Collection method: clinical testing. Allele origin: germline. Affected: yes.
Comment: Has not been previously published as pathogenic or benign to our knowledge; Not observed in large population cohorts (Lek et al., 2016); In silico analysis, which includes protein predictors and evolutionary conservation, supports a deleterious effect; Deletes a residue within a collagen-like 5 domain, and occurs in the triple helical domain at the Y position in the canonical Gly-X-Y repeat; although this variant may have an effect on normal protein folding and function, missense substitution at the Y position is not a common mechanism of disease (Stenson et al., 2014)